The following is an entry in ClinVar:

ClinVar aggregate classification (germline): Pathogenic/Likely pathogenic. Review status: criteria provided, multiple submitters, no conflicts (2 of 4 stars). 3 submissions from 3 submitters: Pathogenic (2); Likely pathogenic (1). Last evaluated 2024-12-28.

Conditions:
NF1-related disorder. Also called: NF1-related condition. Identifiers: MedGen CN379171.
Neurofibromatosis, type 1 (NF1). Also called: VON RECKLINGHAUSEN DISEASE; NEUROFIBROMATOSIS, TYPE I, SOMATIC; Peripheral type neurofibromatosis; Neurofibromatosis, type I. Identifiers: Orphanet 636, MedGen C0027831, MONDO:0018975, OMIM 162200. Disease mechanism: loss of function.

Submissions (3):

Labcorp Genetics (formerly Invitae), Labcorp
Classification: Pathogenic for Neurofibromatosis, type 1. Last evaluated: 2024-12-28. Review status: criteria provided, single submitter. Criteria: Invitae Variant Classification Sherloc (09022015). Collection method: clinical testing. Allele origin: germline.
Comment: This sequence change affects a donor splice site in intron 36 of the NF1 gene. It is expected to disrupt RNA splicing. Variants that disrupt the donor or acceptor splice site typically lead to a loss of protein function (PMID: 16199547), and loss-of-function variants in NF1 are known to be pathogenic (PMID: 10712197, 23913538). This variant is not present in population databases (gnomAD no frequency). Disruption of this splice site has been observed in individual(s) with neurofibromatosis type 1 (PMID: 10607834, 30014477). This variant is also known as IVS28+1G>A. ClinVar contains an entry for this variant (Variation ID: 2137989). Algorithms developed to predict the effect of sequence changes on RNA splicing suggest that this variant may disrupt the consensus splice site. For these reasons, this variant has been classified as Pathogenic.

Blueprint Genetics
Classification: Pathogenic for NF1-related disorders. Last evaluated: 2023-12-15. Review status: criteria provided, single submitter. Criteria: ACMG Guidelines, 2015. Collection method: clinical testing. Allele origin: germline. Affected: yes. Observed: 1 variant allele.

GeneDx
Classification: Likely pathogenic. Last evaluated: 2023-04-26. Review status: criteria provided, single submitter. Criteria: GeneDx Variant Classification Process June 2021. Collection method: clinical testing. Allele origin: germline. Affected: yes.
Comment: Canonical splice site variant reported to result in aberrant splicing leading to an in-frame loss of 18 amino acids in a gene for which loss of function is a known mechanism of disease (Ars et al., 2000); Not observed at significant frequency in large population cohorts (gnomAD); Also known as IVS28+1G>A; This variant is associated with the following publications: (PMID: 25525159, 10607834)

Literature cited by the submitters: PubMed 16199547 (cited by Labcorp Genetics (formerly Invitae), Labcorp); PubMed 10712197 (cited by Labcorp Genetics (formerly Invitae), Labcorp); PubMed 23913538 (cited by Labcorp Genetics (formerly Invitae), Labcorp); PubMed 10607834 (cited by Labcorp Genetics (formerly Invitae), Labcorp); PubMed 30014477 (cited by Labcorp Genetics (formerly Invitae), Labcorp).

NM_001042492.3(NF1):c.5268+1G>A

Gene: NF1 (neurofibromin 1; plus strand). Cytogenetic location: 17q11.2.
Variant type: single nucleotide variant.
Coding change: c.5268+1G>A on transcript NM_001042492.3 (MANE Select); the canonical splice donor site of the intron after coding-DNA position 5268, G replaced by A.
Molecular consequence: splice donor variant.
Genome position (GRCh38, 1-based): chr17:31,326,253, G>A. VCF-style: chr17-31326253-G-A. GRCh37 (hg19) VCF-style: chr17-29653271-G-A.
Other names: c.5205+1G>A (NM_000267.4).
Identifiers: ClinVar variation 2137989 (VCV002137989.6), dbSNP rs2069338793, ClinGen allele CA399008438.